The following is an entry in ClinVar:

ClinVar aggregate classification (germline): Uncertain significance (1 of 4 stars; one submission).

Submission:

Labcorp Genetics (formerly Invitae), Labcorp
Classification: Uncertain significance. Last evaluated: 2022-04-19. Review status: criteria provided, single submitter. Criteria: Invitae Variant Classification Sherloc (09022015). Collection method: clinical testing. Allele origin: germline.
Comment: In summary, the available evidence is currently insufficient to determine the role of this variant in disease. Therefore, it has been classified as a Variant of Uncertain Significance. Algorithms developed to predict the effect of missense changes on protein structure and function are either unavailable or do not agree on the potential impact of this missense change (SIFT: "Deleterious"; PolyPhen-2: "Possibly Damaging"; Align-GVGD: "Class C15"). This variant has not been reported in the literature in individuals affected with SLC25A12-related conditions. This variant is not present in population databases (gnomAD no frequency). This sequence change replaces lysine, which is basic and polar, with glutamic acid, which is acidic and polar, at codon 482 of the SLC25A12 protein (p.Lys482Glu).

NM_003705.5(SLC25A12):c.1444A>G (p.Lys482Glu)

Gene: SLC25A12 (solute carrier family 25 member 12; minus strand). Cytogenetic location: 2q31.1.
Variant type: single nucleotide variant.
Coding change: c.1444A>G on transcript NM_003705.5 (MANE Select); coding-DNA position 1444, A replaced by G.
Protein change: p.Lys482Glu; replaces lysine 482 with glutamic acid.
Molecular consequence: missense variant. On other transcripts: non-coding transcript variant (1).
Genome position (GRCh38, 1-based): chr2:171,793,629, T>C on the plus strand (A>G on the coding strand, the complement: SLC25A12 is on the minus strand). VCF-style: chr2-171793629-T-C. GRCh37 (hg19) VCF-style: chr2-172650139-T-C.
Other names: short protein forms K482E.
Identifiers: ClinVar variation 2128104 (VCV002128104.4), dbSNP rs2545159820, ClinGen allele CA349289208.